The following is an entry in ClinVar:

ClinVar aggregate classification (germline): Likely benign. Review status: criteria provided, single submitter (1 of 4 stars). 2 submissions from 2 submitters: Likely benign (1). 1 of the submissions does not count toward it. Last evaluated 2023-03-23.

Conditions:
Hereditary cancer-predisposing syndrome. Also called: Hereditary Cancer Syndrome; Hereditary neoplastic syndrome; Neoplastic Syndromes, Hereditary; Tumor predisposition. Identifiers: Orphanet 140162, MedGen C0027672, MeSH D009386, MONDO:0015356.
Breast-ovarian cancer, familial, susceptibility to, 1 (BROVCA1). Also called: BRCA1 Hereditary Breast and Ovarian Cancer; OVARIAN CANCER, SUSCEPTIBILITY TO. Identifiers: Orphanet 145, MedGen C2676676, MONDO:0011450, OMIM 604370. Disease mechanism: loss of function.

Submissions (2):

University of Washington Department of Laboratory Medicine, University of Washington
Classification: Likely benign for Hereditary cancer-predisposing syndrome. Last evaluated: 2023-03-23. Review status: criteria provided, single submitter. Criteria: Dines et al. (Genet Med. 2020). Collection method: curation. Allele origin: germline.
Comment: Missense variant in a coldspot region where missense variants are very unlikely to be pathogenic (PMID:31911673).

BRCA1 coldspot (exon 11 using historical exon numbering). Reclassification based on statistical prior probability

Breast Cancer Information Core (BIC) (BRCA1)
Classification: Uncertain significance for Breast-ovarian cancer, familial 1. Last evaluated: 2002-05-29. Review status: no assertion criteria provided. Collection method: clinical testing. Allele origin: germline. Affected: yes. Observed: 1 variant allele. Not counted in ClinVar's aggregate classification.

NM_007294.4(BRCA1):c.3698A>G (p.Lys1233Arg)

Genes: BRCA1 (BRCA1 DNA repair associated; minus strand), LOC126862571 (BRD4-independent group 4 enhancer GRCh37_chr17:41243136-41244335; plus strand). Cytogenetic location: 17q21.31.
Variant type: single nucleotide variant.
Coding change: c.3698A>G on transcript NM_007294.4 (MANE Select); coding-DNA position 3698, A replaced by G.
Protein change: p.Lys1233Arg; replaces lysine 1233 with arginine.
Molecular consequence: missense variant. On other transcripts: intron variant (135).
Genome position (GRCh38, 1-based): chr17:43,091,833, T>C on the plus strand (A>G on the coding strand, the complement: BRCA1 is on the minus strand). VCF-style: chr17-43091833-T-C. GRCh37 (hg19) VCF-style: chr17-41243850-T-C.
Other names: c.3431A>G, p.Lys1144Arg (NM_001407934.1, NM_001407936.1, NM_001407930.1 and 2 more transcripts); c.3434A>G, p.Lys1145Arg (NM_001407935.1, NM_001407920.1, NM_001407921.1 and 9 more transcripts); c.3575A>G, p.Lys1192Arg (NM_001407937.1, NM_001407938.1, NM_001407939.1 and 19 more transcripts); c.3572A>G, p.Lys1191Arg (NM_001407940.1, NM_001407941.1, NM_001407649.1 and 11 more transcripts); c.3557A>G, p.Lys1186Arg (NM_001407942.1, NM_001407944.1, NM_001407945.1 and 29 more transcripts); c.3554A>G, p.Lys1185Arg (NM_001407943.1, NM_001407964.1, NM_001407740.1 and 20 more transcripts); c.3365A>G, p.Lys1122Arg (NM_001407946.1, NM_001407947.1, NM_001407948.1 and 6 more transcripts); c.3362A>G, p.Lys1121Arg (NM_001407954.1, NM_001407955.1, NM_001407956.1 and 1 more transcripts); and 41 more; short protein forms K1233R, K1186R, K1185R, K1192R, K1065R, K1106R, K1144R, K1165R.
Identifiers: ClinVar variation 54964 (VCV000054964.5), dbSNP rs80357141, ClinGen allele CA002363.